The following is an entry in ClinVar:

ClinVar aggregate classification (germline): Uncertain significance (1 of 4 stars; one submission).

Conditions:
Dilated cardiomyopathy 1DD (CMD1DD). Identifiers: Orphanet 154, MedGen C2750995, MONDO:0013168, OMIM 613172.

Allele frequency attached by ClinVar (database versions not stated): gnomAD exomes below 0.00001.
gnomAD v4.1: 1 of 1,551,740 alleles (0.000064%); highest among the groups gnomAD compares: African/African-American, 0.0014%; no homozygotes.

Submission:

Labcorp Genetics (formerly Invitae), Labcorp
Classification: Uncertain significance for Dilated cardiomyopathy 1DD. Last evaluated: 2023-08-20. Review status: criteria provided, single submitter. Criteria: Invitae Variant Classification Sherloc (09022015). Collection method: clinical testing. Allele origin: germline.
Comment: In summary, the available evidence is currently insufficient to determine the role of this variant in disease. Therefore, it has been classified as a Variant of Uncertain Significance. Advanced modeling of protein sequence and biophysical properties (such as structural, functional, and spatial information, amino acid conservation, physicochemical variation, residue mobility, and thermodynamic stability) performed at Invitae indicates that this missense variant is not expected to disrupt RBM20 protein function. This variant has not been reported in the literature in individuals affected with RBM20-related conditions. This variant is not present in population databases (gnomAD no frequency). This sequence change replaces lysine, which is basic and polar, with glutamic acid, which is acidic and polar, at codon 762 of the RBM20 protein (p.Lys762Glu).

NM_001134363.3(RBM20):c.2284A>G (p.Lys762Glu)

Gene: RBM20 (RNA binding motif protein 20; plus strand). Cytogenetic location: 10q25.2.
Variant type: single nucleotide variant.
Coding change: c.2284A>G on transcript NM_001134363.3 (MANE Select); coding-DNA position 2284, A replaced by G.
Protein change: p.Lys762Glu; replaces lysine 762 with glutamic acid.
Molecular consequence: missense variant.
Genome position (GRCh38, 1-based): chr10:110,812,681, A>G. VCF-style: chr10-110812681-A-G. GRCh37 (hg19) VCF-style: chr10-112572439-A-G.
Other names: short protein forms K762E.
Identifiers: ClinVar variation 2754173 (VCV002754173.3), dbSNP rs2493475078, ClinGen allele CA378373191.